The following is an entry in ClinVar:

ClinVar aggregate classification (germline): Uncertain significance (1 of 4 stars; one submission).

Conditions:
POLD1-related polyposis and colorectal cancer syndrome (CRCS10). Also called: Colorectal cancer 10; COLORECTAL CANCER, SUSCEPTIBILITY TO, ON CHROMOSOME 19q; Colorectal cancer, susceptibility to, 10. Identifiers: Orphanet 220460, MedGen C2675481, MONDO:0012953, OMIM 612591.

Submission:

Labcorp Genetics (formerly Invitae), Labcorp
Classification: Uncertain significance for POLD1-related polyposis and colorectal cancer syndrome. Last evaluated: 2020-07-12. Review status: criteria provided, single submitter. Criteria: Invitae Variant Classification Sherloc (09022015). Collection method: clinical testing. Allele origin: germline.
Comment: This variant is not present in population databases (ExAC no frequency). This variant has not been reported in the literature in individuals with POLD1-related conditions. Algorithms developed to predict the effect of missense changes on protein structure and function are either unavailable or do not agree on the potential impact of this missense change (SIFT: "Tolerated"; PolyPhen-2: "Possibly Damaging"; Align-GVGD: "Class C0"). In summary, the available evidence is currently insufficient to determine the role of this variant in disease. Therefore, it has been classified as a Variant of Uncertain Significance. This sequence change replaces glutamine with arginine at codon 726 of the POLD1 protein (p.Gln726Arg). The glutamine residue is moderately conserved and there is a small physicochemical difference between glutamine and arginine.

NM_002691.4(POLD1):c.2177A>G (p.Gln726Arg)

Gene: POLD1 (DNA polymerase delta 1, catalytic subunit; plus strand). Cytogenetic location: 19q13.33.
Variant type: single nucleotide variant.
Coding change: c.2177A>G on transcript NM_002691.4 (MANE Select); coding-DNA position 2177, A replaced by G.
Protein change: p.Gln726Arg; replaces glutamine 726 with arginine.
Molecular consequence: missense variant. On other transcripts: non-coding transcript variant (1).
Genome position (GRCh38, 1-based): chr19:50,413,448, A>G. VCF-style: chr19-50413448-A-G. GRCh37 (hg19) VCF-style: chr19-50916705-A-G.
Other names: c.2177A>G, p.Gln726Arg (NM_001256849.1); c.2255A>G, p.Gln752Arg (NM_001308632.1); short protein forms Q726R, Q752R.
Identifiers: ClinVar variation 1015152 (VCV001015152.8), dbSNP rs2039157813, ClinGen allele CA406983520.